The following is an entry in ClinVar:

NM_001035.3(RYR2):c.8357G>C (p.Gly2786Ala)

Gene: RYR2 (ryanodine receptor 2; plus strand). Cytogenetic location: 1q43.
Variant type: single nucleotide variant.
Coding change: c.8357G>C on transcript NM_001035.3 (MANE Select); coding-DNA position 8357, G replaced by C.
Protein change: p.Gly2786Ala; replaces glycine 2786 with alanine.
Molecular consequence: missense variant.
Genome position (GRCh38, 1-based): chr1:237,660,868, G>C. VCF-style: chr1-237660868-G-C. GRCh37 (hg19) VCF-style: chr1-237824168-G-C.
Other names: c.8357G>C, p.Gly2786Ala (LRG_402t1); short protein forms G2786A.
Identifiers: ClinVar variation 404207 (VCV000404207.56), dbSNP rs1060500149, ClinGen allele CA16610014.

ClinVar aggregate classification (germline): Uncertain significance. Review status: criteria provided, multiple submitters, no conflicts (2 of 4 stars). 4 submissions from 4 submitters: Uncertain significance (4). Last evaluated 2024-07-22.

Conditions:
Cardiovascular phenotype. Identifiers: MedGen CN230736.
Catecholaminergic polymorphic ventricular tachycardia (CVPT). Also called: Catecholamine-induced polymorphic ventricular tachycardia. Identifiers: Orphanet 3286, MedGen C5574922, MONDO:0017990.
Cardiomyopathy (CMYO). Also called: Cardiomyopathies. Identifiers: Orphanet 167848, MedGen C0878544, MONDO:0004994, HP:0001638. Inheritance: Various modes of inheritance.
Catecholaminergic polymorphic ventricular tachycardia 1. Also called: VENTRICULAR TACHYCARDIA, CATECHOLAMINERGIC POLYMORPHIC, 1, WITH OR WITHOUT ATRIAL DYSFUNCTION AND/OR DILATED CARDIOMYOPATHY; RYR2-Related Catecholaminergic Polymorphic Ventricular Tachycardia; VENTRICULAR TACHYCARDIA, STRESS-INDUCED POLYMORPHIC 1. Identifiers: Orphanet 3286, MedGen C1631597, MONDO:0011484, OMIM 604772.

Allele frequency attached by ClinVar (database versions not stated): gnomAD 0.00002; TOPMed 0.00002.
gnomAD v4.1: 5 of 1,544,924 alleles (0.00032%); highest among the groups gnomAD compares: African/African-American, 0.0055%; no homozygotes.

Submissions (4):

Labcorp Genetics (formerly Invitae), Labcorp
Classification: Uncertain significance for Catecholaminergic polymorphic ventricular tachycardia 1. Last evaluated: 2024-07-22. Review status: criteria provided, single submitter. Criteria: Invitae Variant Classification Sherloc (09022015). Collection method: clinical testing. Allele origin: germline.
Comment: This sequence change replaces glycine, which is neutral and non-polar, with alanine, which is neutral and non-polar, at codon 2786 of the RYR2 protein (p.Gly2786Ala). This variant is not present in population databases (gnomAD no frequency). This variant has not been reported in the literature in individuals affected with RYR2-related conditions. ClinVar contains an entry for this variant (Variation ID: 404207). Advanced modeling of protein sequence and biophysical properties (such as structural, functional, and spatial information, amino acid conservation, physicochemical variation, residue mobility, and thermodynamic stability) performed at Invitae indicates that this missense variant is expected to disrupt RYR2 protein function with a positive predictive value of 80%. In summary, the available evidence is currently insufficient to determine the role of this variant in disease. Therefore, it has been classified as a Variant of Uncertain Significance.

Color Diagnostics, LLC DBA Color Health
Classification: Uncertain significance for Cardiomyopathy. Last evaluated: 2024-03-07. Review status: criteria provided, single submitter. Criteria: ACMG Guidelines, 2015. Collection method: clinical testing. Allele origin: germline.
Comment: This missense variant replaces glycine with alanine at codon 2786 of the RYR2 protein. Computational prediction suggests that this variant may have deleterious impact on protein structure and function (internally defined REVEL score threshold >= 0.7, PMID: 27666373). To our knowledge, functional studies have not been reported for this variant. This variant has not been reported in individuals affected with RYR2-related disorders in the literature. This variant has not been identified in the general population by the Genome Aggregation Database (gnomAD). The available evidence is insufficient to determine the role of this variant in disease conclusively. Therefore, this variant is classified as a Variant of Uncertain Significance.

All of Us Research Program, National Institutes of Health
Classification: Uncertain significance for Catecholaminergic polymorphic ventricular tachycardia. Last evaluated: 2023-12-18. Review status: criteria provided, single submitter. Criteria: ACMG Guidelines, 2015. Collection method: clinical testing. Allele origin: germline. Inheritance: Autosomal dominant inheritance. Observed: 1 variant allele, 1 heterozygote.
Comment: This missense variant replaces glycine with alanine at codon 2786 of the RYR2 protein. Computational prediction suggests that this variant may have deleterious impact on protein structure and function (internally defined REVEL score threshold >= 0.7, PMID: 27666373). To our knowledge, functional studies have not been reported for this variant. This variant has not been reported in individuals affected with cardiovascular disorders in the literature. This variant has not been identified in the general population by the Genome Aggregation Database (gnomAD). The available evidence is insufficient to determine the role of this variant in disease conclusively. Therefore, this variant is classified as a Variant of Uncertain Significance.

This study involves interpretation of variants in research participants for the purpose of population health screening. Participant phenotype was not available at the time of variant classification. Additional details can be found in publication PMID: 35346344, PMCID: PMC8962531

Ambry Genetics
Classification: Uncertain significance for Cardiovascular phenotype. Last evaluated: 2022-06-22. Review status: criteria provided, single submitter. Criteria: Ambry Variant Classification Scheme 2023. Collection method: clinical testing. Allele origin: germline.
Comment: The p.G2786A variant (also known as c.8357G>C), located in coding exon 56 of the RYR2 gene, results from a G to C substitution at nucleotide position 8357. The glycine at codon 2786 is replaced by alanine, an amino acid with similar properties. This amino acid position is well conserved in available vertebrate species. In addition, this alteration is predicted to be deleterious by in silico analysis. Since supporting evidence is limited at this time, the clinical significance of this alteration remains unclear.